The following is an entry in ClinVar:

ClinVar aggregate classification (germline): Uncertain significance. Review status: criteria provided, multiple submitters, no conflicts (2 of 4 stars). 2 submissions from 2 submitters: Uncertain significance (2). Last evaluated 2022-05-25.

Conditions:
Inborn genetic diseases. Identifiers: MedGen C0950123, MeSH D030342.
Hereditary sensory neuropathy-deafness-dementia syndrome. Also called: HSN IE; Hereditary sensory neuropathy type IE; NEUROPATHY, HEREDITARY SENSORY, WITH HEARING LOSS AND DEMENTIA; Hereditary Sensory and Autonomic Neuropathy Type 1E (HSAN1E). Identifiers: Orphanet 456318, MedGen C3279885, MONDO:0013584, OMIM 614116.

Allele frequency attached by ClinVar (database versions not stated): TOPMed below 0.00001.

Submissions (2):

Labcorp Genetics (formerly Invitae), Labcorp
Classification: Uncertain significance for Hereditary sensory neuropathy-deafness-dementia syndrome. Last evaluated: 2022-05-25. Review status: criteria provided, single submitter. Criteria: Invitae Variant Classification Sherloc (09022015). Collection method: clinical testing. Allele origin: germline.
Comment: Algorithms developed to predict the effect of missense changes on protein structure and function (SIFT, PolyPhen-2, Align-GVGD) all suggest that this variant is likely to be tolerated. This variant has not been reported in the literature in individuals affected with DNMT1-related conditions. This variant is not present in population databases (gnomAD no frequency). This sequence change replaces lysine, which is basic and polar, with glutamine, which is neutral and polar, at codon 297 of the DNMT1 protein (p.Lys297Gln). In summary, the available evidence is currently insufficient to determine the role of this variant in disease. Therefore, it has been classified as a Variant of Uncertain Significance.

Ambry Genetics
Classification: Uncertain significance for Inborn genetic diseases. Last evaluated: 2021-01-06. Review status: criteria provided, single submitter. Criteria: Ambry Variant Classification Scheme 2023. Collection method: clinical testing. Allele origin: germline.
Comment: The p.K281Q variant (also known as c.841A>C), located in coding exon 10 of the DNMT1 gene, results from an A to C substitution at nucleotide position 841. The lysine at codon 281 is replaced by glutamine, an amino acid with similar properties. This amino acid position is well conserved in available vertebrate species. In addition, this alteration is predicted to be tolerated by in silico analysis. Since supporting evidence is limited at this time, the clinical significance of this alteration remains unclear.

NM_001130823.3(DNMT1):c.889A>C (p.Lys297Gln)

Gene: DNMT1 (DNA methyltransferase 1; minus strand). Cytogenetic location: 19p13.2.
Variant type: single nucleotide variant.
Coding change: c.889A>C on transcript NM_001130823.3 (MANE Select); coding-DNA position 889, A replaced by C.
Protein change: p.Lys297Gln; replaces lysine 297 with glutamine.
Molecular consequence: missense variant.
Genome position (GRCh38, 1-based): chr19:10,166,600, T>G on the plus strand (A>C on the coding strand, the complement: DNMT1 is on the minus strand). VCF-style: chr19-10166600-T-G. GRCh37 (hg19) VCF-style: chr19-10277276-T-G.
Other names: c.841A>C, p.Lys281Gln (NM_001318730.2, NM_001379.4); c.526A>C, p.Lys176Gln (NM_001318731.2); short protein forms K281Q, K176Q, K297Q.
Identifiers: ClinVar variation 1763305 (VCV001763305.7), dbSNP rs2038698276, ClinGen allele CA403941898.